The following is an entry in ClinVar:

NM_007294.4(BRCA1):c.2194G>A (p.Glu732Lys)

Gene: BRCA1 (BRCA1 DNA repair associated; minus strand). Cytogenetic location: 17q21.31.
Variant type: single nucleotide variant.
Coding change: c.2194G>A on transcript NM_007294.4 (MANE Select); coding-DNA position 2194, G replaced by A.
Protein change: p.Glu732Lys; replaces glutamic acid 732 with lysine.
Molecular consequence: missense variant. On other transcripts: intron variant (137).
Genome position (GRCh38, 1-based): chr17:43,093,337, C>T on the plus strand (G>A on the coding strand, the complement: BRCA1 is on the minus strand). VCF-style: chr17-43093337-C-T. GRCh37 (hg19) VCF-style: chr17-41245354-C-T.
Other names: c.2194G>A, p.Glu732Lys (NM_001407624.1, NM_001407625.1, NM_001407626.1 and 30 more transcripts); c.2191G>A, p.Glu731Lys (NM_001407627.1, NM_001407628.1, NM_001407629.1 and 22 more transcripts); c.2185G>A, p.Glu729Lys (NM_001407646.1, NM_001407647.1); c.2071G>A, p.Glu691Lys (NM_001407648.1, NM_001407664.1, NM_001407665.1 and 19 more transcripts); c.2068G>A, p.Glu690Lys (NM_001407649.1, NM_001407670.1, NM_001407671.1 and 11 more transcripts); c.2116G>A, p.Glu706Lys (NM_001407653.1, NM_001407654.1, NM_001407655.1 and 4 more transcripts); c.2113G>A, p.Glu705Lys (NM_001407659.1, NM_001407660.1, NM_001407661.1 and 1 more transcripts); c.2053G>A, p.Glu685Lys (NM_001407692.1, NM_001407694.1, NM_001407695.1 and 29 more transcripts); and 41 more; short protein forms E644K, E690K, E732K, E604K, E620K, E621K, E662K, E664K.
Identifiers: ClinVar variation 1787465 (VCV001787465.7), dbSNP rs80357426, ClinGen allele CA10597612.

ClinVar aggregate classification (germline): Conflicting classifications of pathogenicity. Review status: criteria provided, conflicting classifications (1 of 4 stars). 3 submissions from 3 submitters: Uncertain significance (2); Likely benign (1). Last evaluated 2024-06-07.

Conditions:
Hereditary cancer-predisposing syndrome. Also called: Neoplastic Syndromes, Hereditary; Tumor predisposition; Hereditary Cancer Syndrome; Hereditary neoplastic syndrome. Identifiers: Orphanet 140162, MedGen C0027672, MeSH D009386, MONDO:0015356.
Hereditary breast ovarian cancer syndrome. Also called: Hereditary breast and ovarian cancer; Hereditary breast and ovarian cancer syndrome (HBOC); Hereditary breast and ovarian cancer syndrome; Breast and ovarian cancer; Hereditary breast and/or ovarian cancer syndrome; BRCA1- and BRCA2-Associated Hereditary Breast and Ovarian Cancer. Identifiers: Orphanet 145, MedGen C0677776, MeSH D061325, MONDO:0003582. Disease mechanism: loss of function.

Submissions (3):

Labcorp Genetics (formerly Invitae), Labcorp
Classification: Uncertain significance for Hereditary breast ovarian cancer syndrome. Last evaluated: 2024-06-07. Review status: criteria provided, single submitter. Criteria: Invitae Variant Classification Sherloc (09022015). Collection method: clinical testing. Allele origin: germline.
Comment: This sequence change replaces glutamic acid, which is acidic and polar, with lysine, which is basic and polar, at codon 732 of the BRCA1 protein (p.Glu732Lys). This variant is not present in population databases (gnomAD no frequency). This variant has not been reported in the literature in individuals affected with BRCA1-related conditions. ClinVar contains an entry for this variant (Variation ID: 1787465). Advanced modeling of protein sequence and biophysical properties (such as structural, functional, and spatial information, amino acid conservation, physicochemical variation, residue mobility, and thermodynamic stability) performed at Invitae indicates that this missense variant is not expected to disrupt BRCA1 protein function with a negative predictive value of 95%. In summary, the available evidence is currently insufficient to determine the role of this variant in disease. Therefore, it has been classified as a Variant of Uncertain Significance.

University of Washington Department of Laboratory Medicine, University of Washington
Classification: Likely benign for Hereditary cancer-predisposing syndrome. Last evaluated: 2023-03-23. Review status: criteria provided, single submitter. Criteria: Dines et al. (Genet Med. 2020). Collection method: curation. Allele origin: germline.
Comment: Missense variant in a coldspot region where missense variants are very unlikely to be pathogenic (PMID:31911673).

BRCA1 coldspot (exon 11 using historical exon numbering). Reclassification based on statistical prior probability

Ambry Genetics
Classification: Uncertain significance for Hereditary cancer-predisposing syndrome. Last evaluated: 2021-06-10. Review status: criteria provided, single submitter. Criteria: Ambry Variant Classification Scheme 2023. Collection method: clinical testing. Allele origin: germline.
Comment: The p.E732K variant (also known as c.2194G>A), located in coding exon 9 of the BRCA1 gene, results from a G to A substitution at nucleotide position 2194. The glutamic acid at codon 732 is replaced by lysine, an amino acid with similar properties. This amino acid position is not well conserved in available vertebrate species. In addition, this alteration is predicted to be tolerated by in silico analysis. Since supporting evidence is limited at this time, the clinical significance of this alteration remains unclear.